The following is an entry in ClinVar:

NM_001032283.3(TMPO):c.565+1665A>G

Gene: TMPO (thymopoietin; plus strand). Cytogenetic location: 12q23.1.
Variant type: single nucleotide variant.
Coding change: c.565+1665A>G on transcript NM_001032283.3 (MANE Select); 1665 bases into the intron after coding-DNA position 565, A replaced by G.
Molecular consequence: intron variant. On other transcripts: missense variant (1).
Genome position (GRCh38, 1-based): chr12:98,533,503, A>G. VCF-style: chr12-98533503-A-G. GRCh37 (hg19) VCF-style: chr12-98927281-A-G.
Other names: p.K416E:AAG>GAG; c.1246A>G, p.Lys416Glu (NM_003276.2); c.565+1665A>G (NM_001307975.2, NM_001032284.3); short protein forms K416E.
Identifiers: ClinVar variation 44662 (VCV000044662.29), dbSNP rs11838270, ClinGen allele CA282427.

ClinVar aggregate classification (germline): Benign. Review status: criteria provided, multiple submitters, no conflicts (2 of 4 stars). 9 submissions from 9 submitters: Benign (9). Last evaluated 2026-02-03.

Conditions:
Dilated cardiomyopathy 1T. Identifiers: Orphanet 154, MedGen C3151039.
Loeys-Dietz syndrome 2 (LDS2). Also called: TGFBR2-Related Loeys-Dietz Syndrome; Marfan Syndrome type 2; Marfan like connective tissue disorder; MFS 2; AORTIC ANEURYSM, FAMILIAL THORACIC 3; MARFAN SYNDROME, TYPE II. Identifiers: Orphanet 284973, Orphanet 558, MedGen C2674574, MONDO:0012427, OMIM 610168.

Allele frequency attached by ClinVar (database versions not stated): gnomAD 0.02050 and 0.02179; TOPMed 0.02290; gnomAD exomes 0.00187 and 0.00502; ExAC 0.00667; ESP Exome Variant Server 0.02299; 1000 Genomes Project 0.02456; 1000 Genomes Project 30x 0.02545.
gnomAD v4.1: 5,964 of 1,614,138 alleles (0.37%); highest among the groups gnomAD compares: African/African-American, 7.1%; 210 homozygotes.

Submissions (9):

Labcorp Genetics (formerly Invitae), Labcorp
Classification: Benign for Loeys-Dietz syndrome 2. Last evaluated: 2026-02-03. Review status: criteria provided, single submitter. Criteria: Invitae Variant Classification Sherloc (09022015). Collection method: clinical testing. Allele origin: germline.

ARUP Laboratories, Molecular Genetics and Genomics, ARUP Laboratories
Classification: Benign. Last evaluated: 2020-02-14. Review status: criteria provided, single submitter. Criteria: ARUP Molecular Germline Variant Investigation Process. Collection method: clinical testing. Allele origin: germline.

Genome Diagnostics Laboratory, University Medical Center Utrecht
Classification: Benign for Dilated cardiomyopathy 1A. Last evaluated: 2016-08-22. Review status: criteria provided, single submitter. Criteria: ACGS Guidelines, 2013. Collection method: clinical testing. Allele origin: germline. Affected: yes. Study: VKGL Data-share Consensus.

Clinical Genetics DNA and cytogenetics Diagnostics Lab, Erasmus MC, Erasmus Medical Center
Classification: Benign for Dilated cardiomyopathy 1A. Last evaluated: 2015-09-21. Review status: criteria provided, single submitter. Criteria: ACGS Guidelines, 2013. Collection method: clinical testing. Allele origin: germline. Affected: yes. Study: VKGL Data-share Consensus.

Ambry Genetics
Classification: Benign. Last evaluated: 2015-06-21. Review status: criteria provided, single submitter. Criteria: Ambry Variant Classification Scheme 2023. Collection method: clinical testing. Allele origin: germline.

GeneDx
Classification: Benign. Last evaluated: 2013-11-14. Review status: criteria provided, single submitter. Criteria: GeneDx Variant Classification (06012015). Collection method: clinical testing. Allele origin: germline. Affected: yes.
Comment: This variant is considered likely benign or benign based on one or more of the following criteria: it is a conservative change, it occurs at a poorly conserved position in the protein, it is predicted to be benign by multiple in silico algorithms, and/or has population frequency not consistent with disease.

Biesecker Lab/Clinical Genomics Section, National Institutes of Health
Classification: Benign. Last evaluated: 2013-06-24. Review status: criteria provided, single submitter. Criteria: Ng et al. (Circ Cardiovasc Genet. 2013). Collection method: research. Allele origin: unknown. Observed: 7 variant alleles. Study: ClinSeq.
Comment: The study set was not selected for affection status in relation to any cancer. Pathogenicity categories were based on literature curation. See Pubmed ID:23861362 for details.

Medical sequencing

Laboratory for Molecular Medicine, Mass General Brigham Personalized Medicine
Classification: Benign. Last evaluated: 2012-03-19. Review status: criteria provided, single submitter. Criteria: LMM Criteria. Collection method: clinical testing. Allele origin: germline. Observed: 11 variant alleles.
Comment: p.Lys416Glu in Exon 04 of TMPO: This variant is not expected to have clinical si gnificance because it has been identified in 6.6% (246/3738) of African American chromosomes from a broad population by the NHLBI Exome Sequencing Project (dbSNP rs11838270).

Breakthrough Genomics
Classification: Benign. Review status: criteria provided, single submitter. Criteria: ACMG Guidelines, 2015. Collection method: not provided. Allele origin: germline. Inheritance: Unknown mechanism. Affected: yes.